The following is an entry in ClinVar:

ClinVar aggregate classification (germline): Pathogenic (1 of 4 stars; one submission).

Submission:

Labcorp Genetics (formerly Invitae), Labcorp
Classification: Pathogenic. Last evaluated: 2022-10-02. Review status: criteria provided, single submitter. Criteria: Invitae Variant Classification Sherloc (09022015). Collection method: clinical testing. Allele origin: germline.
Comment: For these reasons, this variant has been classified as Pathogenic. This variant has not been reported in the literature in individuals affected with LAMA1-related conditions. This variant is a gross deletion of the genomic region encompassing exon(s) 22-23 of the LAMA1 gene. This deletion is out-of-frame, and is expected to create a premature termination codon and result in an absent or disrupted protein product. Loss-of-function variants in LAMA1 are known to be pathogenic (PMID: 25105227, 26932191).

Literature cited by the submitters: PubMed 25105227; PubMed 26932191.

NC_000018.9:g.(?_7013794)_(7015877_?)del

Gene: LAMA1 (laminin subunit alpha 1; minus strand). Cytogenetic location: 18p11.31.
Variant type: Deletion.
Identifiers: ClinVar variation 2425367 (VCV002425367.4).